The following is an entry in ClinVar:

ClinVar aggregate classification (germline): Likely benign (1 of 4 stars; one submission).

Allele frequency attached by ClinVar (database versions not stated): ExAC below 0.00001; gnomAD 0.00001 and 0.00003; TOPMed 0.00002; gnomAD exomes 0.00009; 1000 Genomes Project 30x 0.00016.
gnomAD v4.1: 27 of 1,536,650 alleles (0.0018%); highest among the groups gnomAD compares: East Asian, 0.049%; no homozygotes.

Submission:

GeneDx
Classification: Likely benign. Last evaluated: 2017-01-25. Review status: criteria provided, single submitter. Criteria: GeneDx Variant Classification (06012015). Collection method: clinical testing. Allele origin: germline. Affected: yes.
Comment: This variant is considered likely benign or benign based on one or more of the following criteria: it is a conservative change, it occurs at a poorly conserved position in the protein, it is predicted to be benign by multiple in silico algorithms, and/or has population frequency not consistent with disease.

NM_016035.5(COQ4):c.-17C>T

Gene: COQ4 (coenzyme Q4; plus strand). Cytogenetic location: 9q34.11.
Variant type: single nucleotide variant.
Coding change: c.-17C>T on transcript NM_016035.5 (MANE Select); 17 bases upstream of the start codon, C replaced by T.
Molecular consequence: 5 prime UTR variant.
Genome position (GRCh38, 1-based): chr9:128,322,842, C>T. VCF-style: chr9-128322842-C-T. GRCh37 (hg19) VCF-style: chr9-131085121-C-T.
Other names: c.-17C>T (NM_001305942.2).
Identifiers: ClinVar variation 506777 (VCV000506777.1), dbSNP rs770722317, ClinGen allele CA5260349.